The following is an entry in ClinVar:

ClinVar aggregate classification (germline): Likely benign. Review status: criteria provided, multiple submitters, no conflicts (2 of 4 stars). 4 submissions from 4 submitters: Likely benign (3). 1 of the submissions does not count toward it. Last evaluated 2024-01-06.

Conditions:
RYR1-related disorder. Also called: RYR1-related condition; RYR1-related disorders. Identifiers: MedGen CN239331.
Malignant hyperthermia, susceptibility to, 1 (MHS1). Also called: Anesthesia related hyperthermia; Malignant hyperpyrexia; Fulminating hyperpyrexia; Pharmacogenic myopathy; Malignant hyperthermia suceptibility 1; RYR1-Related Malignant Hyperthermia Susceptibility. Identifiers: Orphanet 423, MedGen C2930980, MONDO:0007783, OMIM 145600.

Allele frequency attached by ClinVar (database versions not stated): gnomAD exomes below 0.00001; TOPMed below 0.00001; gnomAD 0.00001.
gnomAD v4.1: 5 of 1,613,622 alleles (0.00031%); highest among the groups gnomAD compares: Non-Finnish European, 0.00042%; no homozygotes.

Submissions (4):

All of Us Research Program, National Institutes of Health
Classification: Likely benign for Malignant hyperthermia, susceptibility to, 1. Last evaluated: 2024-01-06. Review status: criteria provided, single submitter. Criteria: ACMG Guidelines, 2015. Collection method: clinical testing. Allele origin: germline. Inheritance: Autosomal dominant inheritance. Observed: 2 variant alleles, 2 heterozygotes.
Comment: This study involves interpretation of variants in research participants for the purpose of population health screening. Participant phenotype was not available at the time of variant classification. Additional details can be found in publication PMID: 35346344, PMCID: PMC8962531

Labcorp Genetics (formerly Invitae), Labcorp
Classification: Likely benign for RYR1-related disorder. Last evaluated: 2023-12-20. Review status: criteria provided, single submitter. Criteria: Invitae Variant Classification Sherloc (09022015). Collection method: clinical testing. Allele origin: germline.

Color Diagnostics, LLC DBA Color Health
Classification: Likely benign for Malignant hyperthermia, susceptibility to, 1. Last evaluated: 2023-07-09. Review status: criteria provided, single submitter. Criteria: ACMG Guidelines, 2015. Collection method: clinical testing. Allele origin: germline.

PreventionGenetics, part of Exact Sciences
Classification: Likely benign for RYR1-related condition. Last evaluated: 2019-07-25. Review status: no assertion criteria provided. Collection method: clinical testing. Allele origin: germline. Not counted in ClinVar's aggregate classification.
Comment: This variant is classified as likely benign based on ACMG/AMP sequence variant interpretation guidelines (Richards et al. 2015 PMID: 25741868, with internal and published modifications).

NM_000540.3(RYR1):c.10627-4C>T

Gene: RYR1 (ryanodine receptor 1; plus strand). Cytogenetic location: 19q13.2.
Variant type: single nucleotide variant.
Coding change: c.10627-4C>T on transcript NM_000540.3 (MANE Select); 4 bases into the intron before coding-DNA position 10627, C replaced by T.
Molecular consequence: intron variant.
Genome position (GRCh38, 1-based): chr19:38,526,989, C>T. VCF-style: chr19-38526989-C-T. GRCh37 (hg19) VCF-style: chr19-39017629-C-T.
Other names: c.10612-4C>T (NM_001042723.2); c.10627-4C>T (NM_000540.2).
Identifiers: ClinVar variation 1125196 (VCV001125196.13), dbSNP rs1489667781, ClinGen allele CA507236806.